The following is an entry in ClinVar:

NM_001077365.2(POMT1):c.1570T>A (p.Phe524Ile)

Gene: POMT1 (protein O-mannosyltransferase 1; plus strand). Cytogenetic location: 9q34.13.
Variant type: single nucleotide variant.
Coding change: c.1570T>A on transcript NM_001077365.2 (MANE Select); coding-DNA position 1570, T replaced by A.
Protein change: p.Phe524Ile; replaces phenylalanine 524 with isoleucine.
Molecular consequence: missense variant. On other transcripts: non-coding transcript variant (10), intron variant (1).
Genome position (GRCh38, 1-based): chr9:131,519,472, T>A. VCF-style: chr9-131519472-T-A. GRCh37 (hg19) VCF-style: chr9-134394859-T-A.
Other names: c.1408T>A, p.Phe470Ile (NM_001077366.2, NM_001353194.2); c.1570T>A, p.Phe524Ile (NM_001136113.2); c.1219T>A, p.Phe407Ile (NM_001136114.2, NM_001353195.2, NM_001374691.1 and 2 more transcripts); c.1636T>A, p.Phe546Ile (NM_001353193.2, NM_007171.4); c.1480T>A, p.Phe494Ile (NM_001353196.2); c.1474T>A, p.Phe492Ile (NM_001353197.2, NM_001353198.2); c.1285T>A, p.Phe429Ile (NM_001353199.2); c.1114T>A, p.Phe372Ile (NM_001353200.2); and 4 more; short protein forms F470I, F372I, F429I, F492I, F524I, F546I, F147I, F394I.
Identifiers: ClinVar variation 2102339 (VCV002102339.4), dbSNP rs2539398990, ClinGen allele CA375312955.
Genomic context (GRCh38, chr9:131,519,472, plus strand): 5'-CGGGAGCTGCACTCACCTGCGCAGGTGGACGTCAGCAGGAACCTCAGCTTCATGGCGAGA[T>A]TCTCGGAGCTGCAGGTGAGGAGCGGCCAGGGGAAGCTGGCCTAGCTCGCTGAGCATTGAC-3'
Protein context (NP_001070833.1, residues 514-534): VSRNLSFMAR[Phe524Ile]SELQWRMLAL

ClinVar aggregate classification (germline): Uncertain significance (1 of 4 stars; one submission).

Conditions:
Muscular dystrophy-dystroglycanopathy (congenital with impaired intellectual development), type B, 1. Also called: Muscular dystrophy-dystroglycanopathy (congenital with intellectual disability), type B1; MUSCULAR DYSTROPHY, CONGENITAL, POMT1-RELATED. Identifiers: MedGen C5436962, MONDO:0013159, OMIM 613155.
Walker-Warburg congenital muscular dystrophy. Also called: Muscular dystrophy-dystroglycanopathy, type A; Walker-Warburg syndrome. Identifiers: Orphanet 899, MedGen C0265221, MONDO:0000171.
Autosomal recessive limb-girdle muscular dystrophy type 2K. Also called: MUSCULAR DYSTROPHY-DYSTROGLYCANOPATHY (LIMB-GIRDLE), TYPE C, 1; MUSCULAR DYSTROPHY, LIMB-GIRDLE, TYPE 2K. Identifiers: Orphanet 86812, MedGen C1836373, MONDO:0012248, OMIM 609308.

Submission:

Labcorp Genetics (formerly Invitae), Labcorp
Classification: Uncertain significance for Muscular dystrophy-dystroglycanopathy (congenital with impaired intellectual development), type B, 1; Walker-Warburg congenital muscular dystrophy; Autosomal recessive limb-girdle muscular dystrophy type 2K. Last evaluated: 2025-11-19. Review status: criteria provided, single submitter. Criteria: Invitae Variant Classification Sherloc (09022015). Collection method: clinical testing. Allele origin: germline.
Comment: This sequence change replaces phenylalanine, which is neutral and non-polar, with isoleucine, which is neutral and non-polar, at codon 546 of the POMT1 protein (p.Phe546Ile). This variant is not present in population databases (gnomAD no frequency). This variant has not been reported in the literature in individuals affected with POMT1-related conditions. ClinVar contains an entry for this variant (Variation ID: 2102339). Invitae Evidence Modeling of protein sequence and biophysical properties (such as structural, functional, and spatial information, amino acid conservation, physicochemical variation, residue mobility, and thermodynamic stability) has been performed for this missense variant. However, the output from this modeling did not meet the statistical confidence thresholds required to predict the impact of this variant on POMT1 protein function. In summary, the available evidence is currently insufficient to determine the role of this variant in disease. Therefore, it has been classified as a Variant of Uncertain Significance.